The following is an entry in ClinVar:

ClinVar aggregate classification (germline): Conflicting classifications of pathogenicity. Review status: criteria provided, conflicting classifications (1 of 4 stars). 2 submissions from 2 submitters: Uncertain significance (1); Likely benign (1). Last evaluated 2025-12-26.

Conditions:
Cardiovascular phenotype. Identifiers: MedGen CN230736.

Allele frequency attached by ClinVar (database versions not stated): gnomAD exomes 0.00001.
gnomAD v4.1: 7 of 1,613,178 alleles (0.00043%); highest among the groups gnomAD compares: Non-Finnish European, 0.00059%; no homozygotes.

Submissions (2):

Ambry Genetics
Classification: Likely benign for Cardiovascular phenotype. Last evaluated: 2025-12-26. Review status: criteria provided, single submitter. Criteria: Ambry Variant Classification Scheme 2023. Collection method: clinical testing. Allele origin: germline.

Labcorp Genetics (formerly Invitae), Labcorp
Classification: Uncertain significance. Last evaluated: 2025-12-13. Review status: criteria provided, single submitter. Criteria: Invitae Variant Classification Sherloc (09022015). Collection method: clinical testing. Allele origin: germline.
Comment: This sequence change replaces phenylalanine, which is neutral and non-polar, with tyrosine, which is neutral and polar, at codon 680 of the ALPK3 protein (p.Phe680Tyr). This variant is present in population databases (no rsID available, gnomAD 0.002%). This variant has not been reported in the literature in individuals affected with ALPK3-related conditions. ClinVar contains an entry for this variant (Variation ID: 1784860). Invitae Evidence Modeling of protein sequence and biophysical properties (such as structural, functional, and spatial information, amino acid conservation, physicochemical variation, residue mobility, and thermodynamic stability) indicates that this missense variant is expected to disrupt ALPK3 protein function with a positive predictive value of 80%. In summary, the available evidence is currently insufficient to determine the role of this variant in disease. Therefore, it has been classified as a Variant of Uncertain Significance.

NM_020778.5(ALPK3):c.1433T>A (p.Phe478Tyr)

Gene: ALPK3 (alpha kinase 3; plus strand). Cytogenetic location: 15q25.3.
Variant type: single nucleotide variant.
Coding change: c.1433T>A on transcript NM_020778.5 (MANE Select); coding-DNA position 1433, T replaced by A.
Protein change: p.Phe478Tyr; replaces phenylalanine 478 with tyrosine.
Molecular consequence: missense variant.
Genome position (GRCh38, 1-based): chr15:84,840,712, T>A. VCF-style: chr15-84840712-T-A. GRCh37 (hg19) VCF-style: chr15-85383943-T-A.
Other names: short protein forms F478Y.
Identifiers: ClinVar variation 1784860 (VCV001784860.6), dbSNP rs1263109759, ClinGen allele CA393375610.